The following is an entry in ClinVar:

NM_000079.4(CHRNA1):c.451A>T (p.Ile151Phe)

Gene: CHRNA1 (cholinergic receptor nicotinic alpha 1 subunit; minus strand). Cytogenetic location: 2q31.1.
Variant type: single nucleotide variant.
Coding change: c.451A>T on transcript NM_000079.4 (MANE Select); coding-DNA position 451, A replaced by T.
Protein change: p.Ile151Phe; replaces isoleucine 151 with phenylalanine.
Molecular consequence: missense variant.
Genome position (GRCh38, 1-based): chr2:174,754,308, T>A on the plus strand (A>T on the coding strand, the complement: CHRNA1 is on the minus strand). VCF-style: chr2-174754308-T-A. GRCh37 (hg19) VCF-style: chr2-175619036-T-A.
Other names: c.526A>T, p.Ile176Phe (NM_001039523.3); short protein forms I151F, I176F.
Identifiers: ClinVar variation 1419208 (VCV001419208.8), dbSNP rs560121316, ClinGen allele CA60852885.

ClinVar aggregate classification (germline): Uncertain significance. Review status: criteria provided, multiple submitters, no conflicts (2 of 4 stars). 2 submissions from 2 submitters: Uncertain significance (2). Last evaluated 2025-07-30.

Conditions:
Lethal multiple pterygium syndrome (LMPS). Identifiers: Orphanet 33108, MedGen C1854678, MONDO:0009668, OMIM 253290.

Allele frequency attached by ClinVar (database versions not stated): gnomAD 0.00001.
gnomAD v4.1: 3 of 1,614,178 alleles (0.00019%); highest among the groups gnomAD compares: Admixed American, 0.0033%; no homozygotes.

Submissions (2):

Labcorp Genetics (formerly Invitae), Labcorp
Classification: Uncertain significance for Lethal multiple pterygium syndrome. Last evaluated: 2025-07-30. Review status: criteria provided, single submitter. Criteria: Invitae Variant Classification Sherloc (09022015). Collection method: clinical testing. Allele origin: germline.
Comment: This sequence change replaces isoleucine, which is neutral and non-polar, with phenylalanine, which is neutral and non-polar, at codon 151 of the CHRNA1 protein (p.Ile151Phe). This variant is not present in population databases (gnomAD no frequency). This variant has not been reported in the literature in individuals affected with CHRNA1-related conditions. ClinVar contains an entry for this variant (Variation ID: 1419208). Invitae Evidence Modeling of protein sequence and biophysical properties (such as structural, functional, and spatial information, amino acid conservation, physicochemical variation, residue mobility, and thermodynamic stability) indicates that this missense variant is not expected to disrupt CHRNA1 protein function with a negative predictive value of 80%. In summary, the available evidence is currently insufficient to determine the role of this variant in disease. Therefore, it has been classified as a Variant of Uncertain Significance.

Laboratorio de Genetica e Diagnostico Molecular, Hospital Israelita Albert Einstein
Classification: Uncertain significance. Last evaluated: 2021-09-14. Review status: criteria provided, single submitter. Criteria: ACMG Guidelines, 2015. Collection method: clinical testing. Allele origin: germline. Affected: yes.